The following is an entry in ClinVar:

NM_001127208.3(TET2):c.670G>A (p.Glu224Lys)

Genes: TET2 (tet methylcytosine dioxygenase 2; plus strand), TET2-AS1 (TET2 antisense RNA 1; minus strand). Cytogenetic location: 4q24.
Variant type: single nucleotide variant.
Coding change: c.670G>A on transcript NM_001127208.3 (MANE Select); coding-DNA position 670, G replaced by A.
Protein change: p.Glu224Lys; replaces glutamic acid 224 with lysine.
Molecular consequence: missense variant.
Genome position (GRCh38, 1-based): chr4:105,234,612, G>A. VCF-style: chr4-105234612-G-A. GRCh37 (hg19) VCF-style: chr4-106155769-G-A.
Other names: c.670G>A, p.Glu224Lys (NM_017628.4); short protein forms E224K.
Identifiers: ClinVar variation 5030684 (VCV005030684.1).

ClinVar aggregate classification (germline): Uncertain significance (1 of 4 stars; one submission).

gnomAD v4.1: 4 of 1,614,046 alleles (0.00025%); highest among the groups gnomAD compares: Non-Finnish European, 0.00034%; no homozygotes.

Submission:

Ambry Genetics
Classification: Uncertain significance. Last evaluated: 2026-06-26. Review status: criteria provided, single submitter. Criteria: Ambry Variant Classification Scheme 2023. Collection method: clinical testing. Allele origin: germline.
Comment: The p.E224K variant (also known as c.670G>A), located in coding exon 1 of the TET2 gene, results from a G to A substitution at nucleotide position 670. The glutamic acid at codon 224 is replaced by lysine, an amino acid with similar properties. This amino acid position is conserved. In addition, this alteration is predicted to be tolerated by in silico analysis. Based on the available evidence, the clinical significance of this variant remains unclear.